The following is an entry in ClinVar:

NM_006831.3(CLP1):c.607-282T>C

Gene: CLP1 (cleavage factor polyribonucleotide kinase subunit 1; plus strand). Cytogenetic location: 11q12.1.
Variant type: single nucleotide variant.
Coding change: c.607-282T>C on transcript NM_006831.3 (MANE Select); 282 bases into the intron before coding-DNA position 607, T replaced by C.
Molecular consequence: intron variant.
Genome position (GRCh38, 1-based): chr11:57,660,483, T>C. VCF-style: chr11-57660483-T-C. GRCh37 (hg19) VCF-style: chr11-57427955-T-C.
Other names: c.415-282T>C (NM_001142597.2).
Identifiers: ClinVar variation 668099 (VCV000668099.1), dbSNP rs1647404, ClinGen allele CA223048294.

ClinVar aggregate classification (germline): Benign (1 of 4 stars; one submission).

Allele frequency attached by ClinVar (database versions not stated): TOPMed 0.99697; gnomAD 0.99705 and 0.99715; 1000 Genomes Project 30x 0.99781; 1000 Genomes Project 0.99820.
gnomAD v4.1: 151,757 of 152,204 alleles (100%); highest among the groups gnomAD compares: East Asian, 100%; 75,659 homozygotes.

Submission:

GeneDx
Classification: Benign. Last evaluated: 2018-06-19. Review status: criteria provided, single submitter. Criteria: GeneDx Variant Classification (06012015). Collection method: clinical testing. Allele origin: germline. Affected: yes.
Comment: This variant is considered likely benign or benign based on one or more of the following criteria: it is a conservative change, it occurs at a poorly conserved position in the protein, it is predicted to be benign by multiple in silico algorithms, and/or has population frequency not consistent with disease.